The following is an entry in ClinVar:

NM_001039141.3(TRIOBP):c.5233C>T (p.Arg1745Ter)

Gene: TRIOBP (TRIO and F-actin binding protein; plus strand). Cytogenetic location: 22q13.1.
Variant type: single nucleotide variant.
Coding change: c.5233C>T on transcript NM_001039141.3 (MANE Select); coding-DNA position 5233, C replaced by T.
Protein change: p.Arg1745Ter; replaces arginine 1745 with a stop codon.
Molecular consequence: nonsense.
Genome position (GRCh38, 1-based): chr22:37,740,943, C>T. VCF-style: chr22-37740943-C-T. GRCh37 (hg19) VCF-style: chr22-38136950-C-T.
Other names: short protein forms R1745*.
Identifiers: ClinVar variation 2573827 (VCV002573827.4), dbSNP rs781689611, ClinGen allele CA10224550.

ClinVar aggregate classification (germline): Likely pathogenic. Review status: criteria provided, multiple submitters, no conflicts (2 of 4 stars). 3 submissions from 3 submitters: Likely pathogenic (3). Last evaluated 2025-02-19.

Conditions:
Autosomal recessive nonsyndromic hearing loss 28. Identifiers: Orphanet 90636, MedGen C1853276, MONDO:0012355, OMIM 609823.

Allele frequency attached by ClinVar (database versions not stated): gnomAD 0.00003; TOPMed 0.00003; ExAC 0.00004.
gnomAD v4.1: 20 of 1,568,930 alleles (0.0013%); highest among the groups gnomAD compares: African/African-American, 0.0027%; no homozygotes.

Submissions (3):

Greenwood Genetic Center Diagnostic Laboratories, Greenwood Genetic Center
Classification: Likely pathogenic for Autosomal recessive nonsyndromic hearing loss 28. Last evaluated: 2025-02-19. Review status: criteria provided, single submitter. Criteria: ACMG Guidelines, 2015. Collection method: clinical testing. Allele origin: germline. Affected: yes.
Comment: PVS1, PM2

GeneDx
Classification: Likely pathogenic. Last evaluated: 2023-07-18. Review status: criteria provided, single submitter. Criteria: GeneDx Variant Classification Process June 2021. Collection method: clinical testing. Allele origin: germline. Affected: yes.
Comment: Nonsense variant predicted to result in protein truncation or nonsense mediated decay in a gene for which loss-of-function is a known mechanism of disease; Not observed at significant frequency in large population cohorts (gnomAD); Has not been previously published as pathogenic or benign to our knowledge

Juno Genomics, Hangzhou Juno Genomics, Inc
Classification: Likely pathogenic for Autosomal recessive nonsyndromic hearing loss 28. Review status: criteria provided, single submitter. Criteria: ACMG Guidelines, 2015. Collection method: clinical testing. Allele origin: germline.
Comment: Null variant in a gene where loss of function (LOF) is a known mechanism of disease.;Absent from controls (or at extremely low frequency if recessive) in Genome Aggregation Database.